The following is an entry in ClinVar:

NM_001080467.3(MYO5B):c.1057-3C>T

Gene: MYO5B (myosin VB; minus strand). Cytogenetic location: 18q21.1.
Variant type: single nucleotide variant.
Coding change: c.1057-3C>T on transcript NM_001080467.3 (MANE Select); 3 bases into the intron before coding-DNA position 1057, C replaced by T.
Molecular consequence: intron variant.
Genome position (GRCh38, 1-based): chr18:49,974,618, G>A on the plus strand (C>T on the coding strand, the complement: MYO5B is on the minus strand). VCF-style: chr18-49974618-G-A. GRCh37 (hg19) VCF-style: chr18-47500988-G-A.
Identifiers: ClinVar variation 4981280 (VCV004981280.1).

ClinVar aggregate classification (germline): Likely benign (1 of 4 stars; one submission).

Conditions:
MYO5B-related disorder. Also called: MYO5B-related condition.

Submission:

PreventionGenetics, part of Exact Sciences
Classification: Likely benign for MYO5B-related condition. Last evaluated: 2025-01-22. Review status: criteria provided, single submitter. Criteria: ACMG Guidelines, 2015. Collection method: clinical testing. Allele origin: germline.
Comment: This variant is classified as likely benign based on ACMG/AMP sequence variant interpretation guidelines (Richards et al. 2015 PMID: 25741868, with internal and published modifications).